The following is an entry in ClinVar:

ClinVar aggregate classification (germline): Uncertain significance (1 of 4 stars; one submission).

Conditions:
Charcot-Marie-Tooth disease type 2. Also called: Charcot-Marie-Tooth type 2. Identifiers: Orphanet 64746, MedGen C0270914, MONDO:0018993.

gnomAD v4.1: 5 of 1,613,996 alleles (0.00031%); highest among the groups gnomAD compares: South Asian, 0.0011%; no homozygotes.

Submission:

Labcorp Genetics (formerly Invitae), Labcorp
Classification: Uncertain significance for Charcot-Marie-Tooth disease type 2. Last evaluated: 2025-08-19. Review status: criteria provided, single submitter. Criteria: Invitae Variant Classification Sherloc (09022015). Collection method: clinical testing. Allele origin: germline.
Comment: This sequence change replaces arginine, which is basic and polar, with tryptophan, which is neutral and slightly polar, at codon 11 of the AARS protein (p.Arg11Trp). This variant is present in population databases (no rsID available, gnomAD 0.003%). This variant has not been reported in the literature in individuals affected with AARS-related conditions. Invitae Evidence Modeling of protein sequence and biophysical properties (such as structural, functional, and spatial information, amino acid conservation, physicochemical variation, residue mobility, and thermodynamic stability) indicates that this missense variant is expected to disrupt AARS protein function with a positive predictive value of 80%. In summary, the available evidence is currently insufficient to determine the role of this variant in disease. Therefore, it has been classified as a Variant of Uncertain Significance.

NM_001605.3(AARS1):c.31C>T (p.Arg11Trp)

Gene: AARS1 (alanyl-tRNA synthetase 1; minus strand). Cytogenetic location: 16q22.1.
Variant type: single nucleotide variant.
Coding change: c.31C>T on transcript NM_001605.3 (MANE Select); coding-DNA position 31, C replaced by T.
Protein change: p.Arg11Trp; replaces arginine 11 with tryptophan.
Molecular consequence: missense variant.
Genome position (GRCh38, 1-based): chr16:70,282,733, G>A on the plus strand (C>T on the coding strand, the complement: AARS1 is on the minus strand). VCF-style: chr16-70282733-G-A. GRCh37 (hg19) VCF-style: chr16-70316636-G-A.
Other names: short protein forms R11W.
Identifiers: ClinVar variation 4754853 (VCV004754853.1).